The following is an entry in ClinVar:

NM_004484.4(GPC3):c.1316A>G (p.Asn439Ser)

Gene: GPC3 (glypican 3; minus strand). Cytogenetic location: Xq26.2.
Variant type: single nucleotide variant.
Coding change: c.1316A>G on transcript NM_004484.4 (MANE Select); coding-DNA position 1316, A replaced by G.
Protein change: p.Asn439Ser; replaces asparagine 439 with serine.
Molecular consequence: missense variant.
Genome position (GRCh38, 1-based): chrX:133,661,827, T>C on the plus strand (A>G on the coding strand, the complement: GPC3 is on the minus strand). VCF-style: chrX-133661827-T-C. GRCh37 (hg19) VCF-style: chrX-132795855-T-C.
Other names: c.1385A>G, p.Asn462Ser (NM_001164617.2); c.1268A>G, p.Asn423Ser (NM_001164618.2); c.1154A>G, p.Asn385Ser (NM_001164619.2); short protein forms N423S, N385S, N439S, N462S.
Identifiers: ClinVar variation 1479962 (VCV001479962.6), dbSNP rs2124401875, ClinGen allele CA414704767.
Genomic context (GRCh38, chrX:133,661,827, plus strand): 5'-ACCACTGGCTCAGGGCCCTTCATTTTCAGCTCATGGAGATTGAACTGGTTTTTCATTCCA[T>C]TCCTTGCTGCCTTTTGGCTGTATCTGTAAAGGTGAAGGTAAAGAAAAGGTTTGTCAAAGA-3'
Protein context (NP_004475.1, residues 429-449): VERYSQKAAR[Asn439Ser]GMKNQFNLHE

ClinVar aggregate classification (germline): Uncertain significance (1 of 4 stars; one submission).

Conditions:
Wilms tumor 1 (WT1). Also called: Wilms tumor, somatic. Identifiers: Orphanet 654, MedGen CN033288, MONDO:0008679, OMIM 194070.

Allele frequency attached by ClinVar (database versions not stated): gnomAD exomes below 0.00001.
gnomAD v4.1: 1 of 1,196,396 alleles (0.000084%); highest among the groups gnomAD compares: Non-Finnish European, 0.00011%; no homozygotes.

Submission:

Labcorp Genetics (formerly Invitae), Labcorp
Classification: Uncertain significance for Wilms tumor 1. Last evaluated: 2021-10-08. Review status: criteria provided, single submitter. Criteria: Invitae Variant Classification Sherloc (09022015). Collection method: clinical testing. Allele origin: germline.
Comment: This variant has not been reported in the literature in individuals affected with GPC3-related conditions. This variant is not present in population databases (ExAC no frequency). This sequence change replaces asparagine with serine at codon 439 of the GPC3 protein (p.Asn439Ser). The asparagine residue is moderately conserved and there is a small physicochemical difference between asparagine and serine. In summary, the available evidence is currently insufficient to determine the role of this variant in disease. Therefore, it has been classified as a Variant of Uncertain Significance. Algorithms developed to predict the effect of missense changes on protein structure and function (SIFT, PolyPhen-2, Align-GVGD) all suggest that this variant is likely to be tolerated.